The following is an entry in ClinVar:

ClinVar aggregate classification (germline): Pathogenic/Likely pathogenic. Review status: criteria provided, multiple submitters, no conflicts (2 of 4 stars). 11 submissions from 11 submitters: Pathogenic (8); Likely pathogenic (2). 1 of the submissions does not count toward it. Last evaluated 2026-01-02.

Conditions:
Citrullinemia. Identifiers: Orphanet 187, MedGen C0175683, MONDO:0015991.
Citrullinemia type I (CTNL1). Also called: ASS DEFICIENCY; argininosuccinate synthetase deficiency. Identifiers: Orphanet 247525, MedGen C4721769, MONDO:0008988, OMIM 215700.

Allele frequency attached by ClinVar (database versions not stated): ExAC 0.00001; gnomAD exomes 0.00001 and 0.00002; TOPMed 0.00002; ESP Exome Variant Server 0.00008; gnomAD 0.00002.
gnomAD v4.1: 12 of 1,613,898 alleles (0.00074%); highest among the groups gnomAD compares: Admixed American, 0.012%; no homozygotes.

Submissions (11):

Labcorp Genetics (formerly Invitae), Labcorp
Classification: Pathogenic for Citrullinemia. Last evaluated: 2026-01-02. Review status: criteria provided, single submitter. Criteria: Invitae Variant Classification Sherloc (09022015). Collection method: clinical testing. Allele origin: germline.
Comment: This sequence change replaces arginine, which is basic and polar, with glutamine, which is neutral and polar, at codon 279 of the ASS1 protein (p.Arg279Gln). This variant is present in population databases (rs371265106, gnomAD 0.01%). This missense change has been observed in individual(s) with citrulllinemia type I (PMID: 9090528, 16475226, 23099195; internal data). In at least one individual the data is consistent with being in trans (on the opposite chromosome) from a pathogenic variant. ClinVar contains an entry for this variant (Variation ID: 92375). An algorithm developed to predict the effect of missense changes on protein structure and function (PolyPhen-2) suggests that this variant is likely to be disruptive. For these reasons, this variant has been classified as Pathogenic.

Natera, Inc.
Classification: Pathogenic for Citrullinemia type I. Last evaluated: 2025-12-31. Review status: criteria provided, single submitter. Criteria: Natera Variant Classification Schema (03/2026). Collection method: clinical testing. Allele origin: germline.
Comment: The c.836G>A variant in ASS1 is a missense variant predicted to cause substitution of arginine to glutamine at amino acid 279. This variant is rare in the general population with a frequency below the threshold expected for the associated phenotype(s). This variant has been observed in one or more individuals affected with the associated recessive disease, as either homozygous or compound heterozygous with a second variant (PMID: 36939041, 23099195). Computational prediction algorithms indicate this variant is likely to affect gene or protein function. Given the available evidence, this variant is classified as Pathogenic.

Variantyx, Inc.
Classification: Pathogenic for Citrullinemia type I. Last evaluated: 2025-05-29. Review status: criteria provided, single submitter. Criteria: Variantyx Assertion Criteria 2022. Collection method: clinical testing. Allele origin: germline. Inheritance: Autosomal recessive inheritance. Affected: yes.
Comment: This is a nonsynonymous variant in the ASS1 gene (OMIM: 603470). Pathogenic variants in this gene have been associated with autosomal recessive citrullinemia. The clinical symptoms reported for this individual are highly specific for autosomal recessive citrullinemia, which has a limited genetic etiology (PMID: 20301631) (PP4). This variant has been identified in the homozygous or compound heterozygous state in at least 4 individuals reported in the published literature (PMID: 9090528, 16475226, 23099195, 35726796, 34159013) (PM3_Strong). This variant lies within a known hotspot for pathogenic variants or a well-established critical functional domain of the ASS1 protein (PM1) and multiple computational algorithms predict a deleterious effect for this variant (REVEL score: 0.966) (PP3). This variant has a 0.0117% maximum allele frequency in non-founder control populations (PM2). Based on the current evidence, this variant is classified as pathogenic for autosomal recessive citrullinemia.

Greenwood Genetic Center Diagnostic Laboratories, Greenwood Genetic Center
Classification: Pathogenic for Citrullinemia type I. Last evaluated: 2025-04-23. Review status: criteria provided, single submitter. Criteria: ACMG Guidelines, 2015. Collection method: clinical testing. Allele origin: germline. Affected: yes.
Comment: PS3, PM2, PM3_Strong, PP3

Baylor Genetics
Classification: Pathogenic for Citrullinemia type I. Last evaluated: 2024-02-29. Review status: criteria provided, single submitter. Criteria: ACMG Guidelines, 2015. Collection method: clinical testing. Allele origin: unknown.

3billion
Classification: Pathogenic for Citrullinemia type I. Last evaluated: 2023-09-04. Review status: criteria provided, single submitter. Criteria: ACMG Guidelines, 2015. Collection method: clinical testing. Allele origin: germline. Affected: yes.
Comment: The variant is observed at an extremely low frequency in the gnomAD v2.1.1 dataset (total allele frequency: 0.002%). Predicted Consequence/Location: Missense variant In silico tool predictions suggest damaging effect of the variant on gene or gene product [REVEL: 0.97 (>=0.6, sensitivity 0.68 and specificity 0.92); 3Cnet: 0.93 (>=0.6, sensitivity 0.72 and precision 0.9)]. Same nucleotide change resulting in same amino acid change has been previously reported as pathogenic/likely pathogenic with strong evidence (ClinVar ID: VCV000092375 /PMID: 9090528).The variant has been reported to be in trans with a pathogenic variant as either compound heterozygous or homozygous in at least 2 similarly affected unrelated individuals (PMID: 16475226, 23099195, 9090528). Therefore, this variant is classified as Pathogenic according to the recommendation of ACMG/AMP guideline.

Revvity Omics, Revvity
Classification: Likely pathogenic for Citrullinemia type I. Last evaluated: 2023-04-06. Review status: criteria provided, single submitter. Criteria: ACMG Guidelines, 2015. Collection method: clinical testing. Allele origin: germline.

Fulgent Genetics
Classification: Pathogenic for Citrullinemia type I. Last evaluated: 2021-07-20. Review status: criteria provided, single submitter. Criteria: ACMG Guidelines, 2015. Collection method: clinical testing. Allele origin: unknown.

ARUP Laboratories, Molecular Genetics and Genomics, ARUP Laboratories
Classification: Likely pathogenic. Last evaluated: 2017-05-03. Review status: criteria provided, single submitter. Criteria: ARUP Molecular Germline Variant Investigation Process. Collection method: clinical testing. Allele origin: germline.

Eurofins Ntd Llc (ga)
Classification: Pathogenic. Last evaluated: 2012-10-08. Review status: criteria provided, single submitter. Criteria: EGL Classification Definitions 2015. Collection method: clinical testing. Allele origin: germline. Observed: 4 variant alleles, 4 heterozygotes.

Counsyl
Classification: Likely pathogenic for Citrullinemia type I. Last evaluated: 2016-06-01. Review status: no assertion criteria provided. Collection method: clinical testing. Allele origin: unknown. Not counted in ClinVar's aggregate classification.

Literature cited by the submitters: PubMed 9090528 (cited by 4 submitters); PubMed 16475226 (cited by 4 submitters); PubMed 23099195 (cited by 5 submitters); PubMed 36939041 (cited by Natera, Inc.); PubMed 35726796 (cited by Variantyx, Inc.); PubMed 34159013 (cited by Variantyx, Inc.).

NM_054012.4(ASS1):c.836G>A (p.Arg279Gln)

Gene: ASS1 (argininosuccinate synthase 1; plus strand). Cytogenetic location: 9q34.11.
Variant type: single nucleotide variant.
Coding change: c.836G>A on transcript NM_054012.4 (MANE Select); coding-DNA position 836, G replaced by A.
Protein change: p.Arg279Gln; replaces arginine 279 with glutamine.
Molecular consequence: missense variant.
Genome position (GRCh38, 1-based): chr9:130,480,447, G>A. VCF-style: chr9-130480447-G-A. GRCh37 (hg19) VCF-style: chr9-133355834-G-A.
Other names: c.836G>A, p.Arg279Gln (NM_000050.4); short protein forms R279Q.
Identifiers: ClinVar variation 92375 (VCV000092375.29), dbSNP rs371265106, ClinGen allele CA266756.